The following is an entry in ClinVar:

NM_000545.8(HNF1A):c.962G>A (p.Arg321His)

Gene: HNF1A (HNF1 homeobox A; plus strand). Cytogenetic location: 12q24.31.
Variant type: single nucleotide variant.
Coding change: c.962G>A on transcript NM_000545.8 (MANE Select); coding-DNA position 962, G replaced by A.
Protein change: p.Arg321His; replaces arginine 321 with histidine.
Molecular consequence: missense variant.
Genome position (GRCh38, 1-based): chr12:120,996,268, G>A. VCF-style: chr12-120996268-G-A. GRCh37 (hg19) VCF-style: chr12-121434071-G-A.
Other names: c.962G>A, p.Arg321His (NM_001306179.2); short protein forms R321H.
Identifiers: ClinVar variation 972763 (VCV000972763.6), dbSNP rs751761766, ClinGen allele CA6831893.

ClinVar aggregate classification (germline): Conflicting classifications of pathogenicity. Review status: criteria provided, conflicting classifications (1 of 4 stars). 5 submissions from 5 submitters: Likely risk allele (1); Uncertain significance (4). Last evaluated 2024-12-21.

Conditions:
Maturity-onset diabetes of the young type 3. Also called: MODY type 3; MODY, type III. Identifiers: Orphanet 552, MedGen C1838100, MeSH C563933, MONDO:0010894, OMIM 600496. Disease mechanism: loss of function.
Diabetes mellitus type 1 (T1D). Also called: Diabetes Mellitus, Juvenile-Onset; Type I diabetes mellitus. Identifiers: MedGen C0011854, MONDO:0005147, OMIM 222100, HP:0100651.
Type 2 diabetes mellitus. Also called: Type II diabetes mellitus. Identifiers: MedGen C0011860, MeSH D003924, MONDO:0005148, OMIM 125853, HP:0005978.
Hepatic adenomas, familial. Also called: LIVER CELL ADENOMAS, FAMILIAL; HEPATIC ADENOMA, SOMATIC. Identifiers: MedGen C1840646, MONDO:0007718, OMIM 142330.
Type 1 diabetes mellitus 20 (T1D20). Also called: Diabetes mellitus, insulin-dependent, 20. Identifiers: MedGen C2675866, MONDO:0012919, OMIM 612520.
Nonpapillary renal cell carcinoma. Identifiers: Orphanet 422526, MedGen CN074294, MONDO:0007763, OMIM 144700.
Maturity-onset diabetes of the young (MODY). Also called: Maturity onset diabetes mellitus in young. Identifiers: Orphanet 552, MedGen C0342276, MONDO:0018911, HP:0004904.

Allele frequency attached by ClinVar (database versions not stated): gnomAD exomes 0.00001 and 0.00002; ExAC 0.00002; gnomAD 0.00004; TOPMed 0.00004.
gnomAD v4.1: 35 of 1,613,928 alleles (0.0022%); highest among the groups gnomAD compares: South Asian, 0.0033%; no homozygotes.

Submissions (5):

Labcorp Genetics (formerly Invitae), Labcorp
Classification: Uncertain significance. Last evaluated: 2024-12-21. Review status: criteria provided, single submitter. Criteria: Invitae Variant Classification Sherloc (09022015). Collection method: clinical testing. Allele origin: germline.
Comment: This sequence change replaces arginine, which is basic and polar, with histidine, which is basic and polar, at codon 321 of the HNF1A protein (p.Arg321His). This variant is present in population databases (rs751761766, gnomAD 0.005%). This missense change has been observed in individual(s) with clinical features of HNF1A-related conditions (PMID: 15387959, 31264968). ClinVar contains an entry for this variant (Variation ID: 972763). Invitae Evidence Modeling of protein sequence and biophysical properties (such as structural, functional, and spatial information, amino acid conservation, physicochemical variation, residue mobility, and thermodynamic stability) indicates that this missense variant is not expected to disrupt HNF1A protein function with a negative predictive value of 80%. In summary, the available evidence is currently insufficient to determine the role of this variant in disease. Therefore, it has been classified as a Variant of Uncertain Significance.

Women's Health and Genetics/Laboratory Corporation of America, LabCorp
Classification: Uncertain significance. Last evaluated: 2024-08-30. Review status: criteria provided, single submitter. Criteria: LabCorp Variant Classification Summary - May 2015. Collection method: clinical testing. Allele origin: germline.
Comment: Variant summary: HNF1A c.962G>A (p.Arg321His) results in a non-conservative amino acid change located in the Hepatocyte nuclear factor 1, beta isoform, C-terminal (IPR006897) of the encoded protein sequence. Five of five in-silico tools predict a damaging effect of the variant on protein function. The variant allele was found at a frequency of 2.2e-05 in 1613928 control chromosomes. This frequency is not significantly higher than estimated for a pathogenic variant in HNF1A causing Maturity Onset Diabetes Of The Young 3 (2.2e-05 vs 2.5e-05), allowing no conclusion about variant significance. c.962G>A has been reported in the literature in an individual suspected with Maturity Onset Diabetes Of The Young 3 (Zhang_2004). These data do not allow any conclusion about variant significance. To our knowledge, no experimental evidence demonstrating an impact on protein function has been reported. The following publication have been ascertained in the context of this evaluation (PMID: 15387959). ClinVar contains an entry for this variant (Variation ID: 972763). Based on the evidence outlined above, the variant was classified as uncertain significance.

Fulgent Genetics
Classification: Uncertain significance for Type 2 diabetes mellitus; Hepatic adenomas, familial; Nonpapillary renal cell carcinoma; Diabetes mellitus type 1; Maturity-onset diabetes of the young type 3; Type 1 diabetes mellitus 20. Last evaluated: 2022-01-11. Review status: criteria provided, single submitter. Criteria: ACMG Guidelines, 2015. Collection method: clinical testing. Allele origin: unknown.

Broad Center for Mendelian Genomics, Broad Institute of MIT and Harvard
Classification: Uncertain significance for Maturity-onset diabetes of the young type 3. Last evaluated: 2020-01-22. Review status: criteria provided, single submitter. Criteria: ACMG Guidelines, 2015. Collection method: curation. Allele origin: germline. Inheritance: Autosomal dominant inheritance.
Comment: The p.Arg321His variant in HNF1A has not been previously reported in individuals with MODY, but has been identified in 0.005% (1/19946) of East Asian chromosomes, 0.0032% (1/30616) of South Asian chromosomes, and 0.0015% (2/129116) of European (non-Finnish) chromosomes by the Genome Aggregation Database (gnomAD; dbSNP rs751761766). Computational prediction tools and conservation analyses suggest that this variant may impact the protein, though this information is not predictive enough to determine pathogenicity. In summary, the clinical significance of the p.Arg321His variant is uncertain. ACMG/AMP Criteria applied: BS1, PP3 (Richards 2015).

Clinical Genomics, Uppaluri K&H Personalized Medicine Clinic
Classification: Likely risk allele for Maturity-onset diabetes of the young. Review status: criteria provided, single submitter. Criteria: K & H Uppaluri Personalized Medicine Clinic Variant Classification & Assertion Criteria_Updated V.1. Collection method: research. Allele origin: unknown. Inheritance: Autosomal dominant inheritance.
Comment: Mutations in HNF1A gene can predispose to MODY3. It is associated with both micro and macrovascular complications of diabetes, especially cardiovascular complications. Associated with glucosuria. May respond well to sulfonylureas. However, more evidence is required to confer the association of this particular variant rs751761766 with MODY3.

Literature cited by the submitters: PubMed 15387959 (cited by Labcorp Genetics (formerly Invitae), Labcorp and Women's Health and Genetics/Laboratory Corporation of America, LabCorp); PubMed 31264968 (cited by Labcorp Genetics (formerly Invitae), Labcorp); PubMed 31517624 (cited by Clinical Genomics, Uppaluri K&H Personalized Medicine Clinic); PubMed 32395877 (cited by Clinical Genomics, Uppaluri K&H Personalized Medicine Clinic); PubMed 35328643 (cited by Clinical Genomics, Uppaluri K&H Personalized Medicine Clinic); PubMed 35673428 (cited by Clinical Genomics, Uppaluri K&H Personalized Medicine Clinic).